The following is an entry in ClinVar:

ClinVar aggregate classification (germline): Benign (1 of 4 stars; one submission).

Submission:

CeGaT Center for Human Genetics Tuebingen
Classification: Benign. Last evaluated: 2023-08-01. Review status: criteria provided, single submitter. Criteria: CeGaT Center For Human Genetics Tuebingen Variant Classification Criteria Version 2. Collection method: clinical testing. Allele origin: germline. Affected: yes. Observed: 1 variant allele.
Comment: KCNQ1OT1: BS1, BS2

NM_000218.3(KCNQ1):c.1514+34898dup

Genes: KCNQ1 (potassium voltage-gated channel subfamily Q member 1; plus strand), KCNQ1OT1 (KCNQ1 opposite strand/antisense transcript 1; minus strand). Cytogenetic location: 11p15.5.
Variant type: Duplication.
Coding change: c.1514+34898dup on transcript NM_000218.3 (MANE Select); 34898 bases into the intron after coding-DNA position 1514, one base duplicated (T; older notation c.1514+34898dupT).
Molecular consequence: intron variant.
Genome position (GRCh38, 1-based): chr11:2,696,979, T duplicated; the last of 10 consecutive T bases (chr11:2,696,970-2,696,979); duplicating any one gives the same sequence. VCF-style (leftmost placement, unchanged base first): chr11-2696969-A-AT. GRCh37 (hg19) VCF-style: chr11-2718199-A-AT.
Other names: c.1244+34898dup (NM_001406837.1); c.1418+34898dup (NM_001406836.1); c.974+34898dup (NM_001406838.1); c.1133+34898dup (NM_181798.2).
Identifiers: ClinVar variation 2578650 (VCV002578650.25), dbSNP rs545020900, ClinGen allele CA597443000.